The following is an entry in ClinVar:

NM_000501.4(ELN):c.1876G>C (p.Ala626Pro)

Gene: ELN (elastin; plus strand). Cytogenetic location: 7q11.23.
Variant type: single nucleotide variant.
Coding change: c.1876G>C on transcript NM_000501.4 (MANE Select); coding-DNA position 1876, G replaced by C.
Protein change: p.Ala626Pro; replaces alanine 626 with proline.
Molecular consequence: missense variant.
Genome position (GRCh38, 1-based): chr7:74,063,327, G>C. VCF-style: chr7-74063327-G-C. GRCh37 (hg19) VCF-style: chr7-73477657-G-C.
Other names: c.1789G>C, p.Ala597Pro (NM_001081752.3); c.1834G>C, p.Ala612Pro (NM_001081753.3); c.1891G>C, p.Ala631Pro (NM_001081754.3); c.1819G>C, p.Ala607Pro (NM_001081755.3); c.1876G>C, p.Ala626Pro (NM_001278912.2); c.1633G>C, p.Ala545Pro (NM_001278913.2); c.1804G>C, p.Ala602Pro (NM_001278914.2); c.1894G>C, p.Ala632Pro (NM_001278915.2); and 4 more; short protein forms A537P, A545P, A578P, A597P, A602P, A607P, A612P, A616P.
Identifiers: ClinVar variation 3044269 (VCV003044269.2), dbSNP rs781861907, ClinGen allele CA367889775.

ClinVar aggregate classification (germline): Uncertain significance (0 of 4 stars; one submission).

Conditions:
ELN-related disorder.

gnomAD v4.1: 1 of 1,550,974 alleles (0.000064%); highest among the groups gnomAD compares: South Asian, 0.0012%; no homozygotes.

Submission:

PreventionGenetics, part of Exact Sciences
Classification: Uncertain significance for ELN-related condition. Last evaluated: 2023-11-14. Review status: no assertion criteria provided. Collection method: clinical testing. Allele origin: germline.
Comment: The ELN c.1876G>C variant is predicted to result in the amino acid substitution p.Ala626Pro. To our knowledge, this variant has not been reported in the literature or in a large population database, indicating this variant is rare. At this time, the clinical significance of this variant is uncertain due to the absence of conclusive functional and genetic evidence.